The following is an entry in ClinVar:

NM_001042492.3(NF1):c.7844T>A (p.Ile2615Asn)

Gene: NF1 (neurofibromin 1; plus strand). Cytogenetic location: 17q11.2.
Variant type: single nucleotide variant.
Coding change: c.7844T>A on transcript NM_001042492.3 (MANE Select); coding-DNA position 7844, T replaced by A.
Protein change: p.Ile2615Asn; replaces isoleucine 2615 with asparagine.
Molecular consequence: missense variant.
Genome position (GRCh38, 1-based): chr17:31,357,065, T>A. VCF-style: chr17-31357065-T-A. GRCh37 (hg19) VCF-style: chr17-29684083-T-A.
Other names: c.7781T>A, p.Ile2594Asn (NM_000267.4); short protein forms I2615N, I2594N.
Identifiers: ClinVar variation 457858 (VCV000457858.6), dbSNP rs1555536711, ClinGen allele CA399018648.

ClinVar aggregate classification (germline): Uncertain significance. Review status: criteria provided, multiple submitters, no conflicts (2 of 4 stars). 2 submissions from 2 submitters: Uncertain significance (2). Last evaluated 2024-11-02.

Conditions:
Neurofibromatosis, type 1 (NF1). Also called: VON RECKLINGHAUSEN DISEASE; NEUROFIBROMATOSIS, TYPE I, SOMATIC; Peripheral type neurofibromatosis; Neurofibromatosis, type I. Identifiers: Orphanet 636, MedGen C0027831, MONDO:0018975, OMIM 162200. Disease mechanism: loss of function.
Cardiovascular phenotype. Identifiers: MedGen CN230736.
Hereditary cancer-predisposing syndrome. Also called: Hereditary Cancer Syndrome; Hereditary neoplastic syndrome; Tumor predisposition; Neoplastic Syndromes, Hereditary. Identifiers: Orphanet 140162, MedGen C0027672, MeSH D009386, MONDO:0015356.

Submissions (2):

Ambry Genetics
Classification: Uncertain significance for Cardiovascular phenotype; Hereditary cancer-predisposing syndrome. Last evaluated: 2024-11-02. Review status: criteria provided, single submitter. Criteria: Ambry Variant Classification Scheme 2023. Collection method: clinical testing. Allele origin: germline.
Comment: The p.I2594N variant (also known as c.7781T>A), located in coding exon 52 of the NF1 gene, results from a T to A substitution at nucleotide position 7781. The isoleucine at codon 2594 is replaced by asparagine, an amino acid with dissimilar properties. This amino acid position is conserved. In addition, this alteration is predicted to be tolerated by in silico analysis. Based on the available evidence, the clinical significance of this variant remains unclear.

Labcorp Genetics (formerly Invitae), Labcorp
Classification: Uncertain significance for Neurofibromatosis, type 1. Last evaluated: 2017-06-19. Review status: criteria provided, single submitter. Criteria: Invitae Variant Classification Sherloc (09022015). Collection method: clinical testing. Allele origin: germline.
Comment: Algorithms developed to predict the effect of missense changes on protein structure and function do not agree on the potential impact of this missense change (SIFT: "Deleterious"; PolyPhen-2: "Benign"; Align-GVGD: "Class C0"). This variant has not been reported in the literature in individuals with NF1-related disease. This variant is not present in population databases (ExAC no frequency). This sequence change replaces isoleucine with asparagine at codon 2594 of the NF1 protein (p.Ile2594Asn). The isoleucine residue is moderately conserved and there is a large physicochemical difference between isoleucine and asparagine. In summary, the available evidence is currently insufficient to determine the role of this variant in disease. Therefore, it has been classified as a Variant of Uncertain Significance.